The following is an entry in ClinVar:

NM_001018115.3(FANCD2):c.799A>T (p.Met267Leu)

Genes: FANCD2 (FA complementation group D2; plus strand), LOC107303338 (3p25 FANCD2 Alu-mediated recombination region; plus strand). Cytogenetic location: 3p25.3.
Variant type: single nucleotide variant.
Coding change: c.799A>T on transcript NM_001018115.3 (MANE Select); coding-DNA position 799, A replaced by T.
Protein change: p.Met267Leu; replaces methionine 267 with leucine.
Molecular consequence: missense variant.
Genome position (GRCh38, 1-based): chr3:10,042,574, A>T. VCF-style: chr3-10042574-A-T. GRCh37 (hg19) VCF-style: chr3-10084258-A-T.
Other names: c.799A>T, p.Met267Leu (NM_001319984.2, NM_001374253.1, NM_001374254.1 and 1 more transcripts); short protein forms M267L.
Identifiers: ClinVar variation 2008873 (VCV002008873.4), dbSNP rs2470753365, ClinGen allele CA351728076.

ClinVar aggregate classification (germline): Uncertain significance (1 of 4 stars; one submission).

Conditions:
Fanconi anemia (FA). Also called: Fanconi's anemia. Identifiers: Orphanet 84, MedGen C0015625, MeSH D005199, MONDO:0019391.

gnomAD v4.1: 2 of 1,613,990 alleles (0.00012%); highest among the groups gnomAD compares: Non-Finnish European, 0.00017%; no homozygotes.

Submission:

Labcorp Genetics (formerly Invitae), Labcorp
Classification: Uncertain significance for Fanconi anemia. Last evaluated: 2024-03-06. Review status: criteria provided, single submitter. Criteria: Invitae Variant Classification Sherloc (09022015). Collection method: clinical testing. Allele origin: germline.
Comment: This sequence change replaces methionine, which is neutral and non-polar, with leucine, which is neutral and non-polar, at codon 267 of the FANCD2 protein (p.Met267Leu). This variant is not present in population databases (gnomAD no frequency). This variant has not been reported in the literature in individuals affected with FANCD2-related conditions. ClinVar contains an entry for this variant (Variation ID: 2008873). Advanced modeling of protein sequence and biophysical properties (such as structural, functional, and spatial information, amino acid conservation, physicochemical variation, residue mobility, and thermodynamic stability) performed at Invitae indicates that this missense variant is not expected to disrupt FANCD2 protein function with a negative predictive value of 80%. In summary, the available evidence is currently insufficient to determine the role of this variant in disease. Therefore, it has been classified as a Variant of Uncertain Significance.